The following is an entry in ClinVar:

ClinVar aggregate classification (germline): Uncertain significance (1 of 4 stars; one submission).

Conditions:
Hereditary cancer-predisposing syndrome. Also called: Tumor predisposition; Neoplastic Syndromes, Hereditary; Hereditary Cancer Syndrome; Hereditary neoplastic syndrome. Identifiers: Orphanet 140162, MedGen C0027672, MeSH D009386, MONDO:0015356.

Submission:

Ambry Genetics
Classification: Uncertain significance for Hereditary cancer-predisposing syndrome. Last evaluated: 2024-12-01. Review status: criteria provided, single submitter. Criteria: Ambry Variant Classification Scheme 2023. Collection method: clinical testing. Allele origin: germline.
Comment: The p.P1514A variant (also known as c.4540C>G), located in coding exon 22 of the DICER1 gene, results from a C to G substitution at nucleotide position 4540. The proline at codon 1514 is replaced by alanine, an amino acid with highly similar properties. This amino acid position is conserved. In addition, this alteration is predicted to be deleterious by in silico analysis. Based on the available evidence, the clinical significance of this variant remains unclear.

NM_177438.3(DICER1):c.4540C>G (p.Pro1514Ala)

Gene: DICER1 (dicer 1, ribonuclease III; minus strand). Cytogenetic location: 14q32.13.
Variant type: single nucleotide variant.
Coding change: c.4540C>G on transcript NM_177438.3 (MANE Select); coding-DNA position 4540, C replaced by G.
Protein change: p.Pro1514Ala; replaces proline 1514 with alanine.
Molecular consequence: missense variant. On other transcripts: non-coding transcript variant (6).
Genome position (GRCh38, 1-based): chr14:95,096,380, G>C on the plus strand (C>G on the coding strand, the complement: DICER1 is on the minus strand). VCF-style: chr14-95096380-G-C. GRCh37 (hg19) VCF-style: chr14-95562717-G-C.
Other names: c.4540C>G, p.Pro1514Ala (NM_001395684.1, NM_001195573.1, NM_001271282.3 and 12 more transcripts); c.4258C>G, p.Pro1420Ala (NM_001395686.1); c.4135C>G, p.Pro1379Ala (NM_001395687.1, NM_001395689.1, NM_001395690.1 and 2 more transcripts); c.3973C>G, p.Pro1325Ala (NM_001395691.1); c.2857C>G, p.Pro953Ala (NM_001395697.1); short protein forms P1420A, P953A, P1325A, P1379A, P1514A.
Identifiers: ClinVar variation 3501806 (VCV003501806.1).